The following is an entry in ClinVar:

NM_173598.6(KSR2):c.1443C>T (p.Asn481=)

Gene: KSR2 (kinase suppressor of ras 2; minus strand). Cytogenetic location: 12q24.22.
Variant type: single nucleotide variant.
Coding change: c.1443C>T on transcript NM_173598.6 (MANE Select); coding-DNA position 1443, C replaced by T.
Protein change: p.Asn481=; no amino-acid change (asparagine 481 retained).
Molecular consequence: synonymous variant.
Genome position (GRCh38, 1-based): chr12:117,555,244, G>A on the plus strand (C>T on the coding strand, the complement: KSR2 is on the minus strand). VCF-style: chr12-117555244-G-A. GRCh37 (hg19) VCF-style: chr12-117993049-G-A.
Identifiers: ClinVar variation 3351761 (VCV003351761.1).
Genomic context (GRCh38, chr12:117,555,244, plus strand): 5'-GGTTTTGGGGAGCGTCTGACTGATGTGCAGGTCTGAATAGCGAGGTGGCTTCCGTAGAGG[G>A]TTGTTGATGTCACACGGAACGGACTCTGTCCGGACTAACCTTGCTGGATCCGTAGGGGTA-3'
Protein context (NP_775869.4, residues 471-491): RTESVPCDIN[Asn481=]PLRKPPRYSD

ClinVar aggregate classification (germline): Likely benign (0 of 4 stars; one submission).

Conditions:
KSR2-related disorder. Also called: KSR2-related condition.

gnomAD v4.1: 2 of 1,613,848 alleles (0.00012%); highest among the groups gnomAD compares: Non-Finnish European, 0.00017%; no homozygotes.

Submission:

PreventionGenetics, part of Exact Sciences
Classification: Likely benign for KSR2-related condition. Last evaluated: 2020-06-25. Review status: no assertion criteria provided. Collection method: clinical testing. Allele origin: germline.
Comment: This variant is classified as likely benign based on ACMG/AMP sequence variant interpretation guidelines (Richards et al. 2015 PMID: 25741868, with internal and published modifications).